The following is an entry in ClinVar:

NM_012062.5(DNM1L):c.1707+3G>A

Gene: DNM1L (dynamin 1 like; plus strand). Cytogenetic location: 12p11.21.
Variant type: single nucleotide variant.
Coding change: c.1707+3G>A on transcript NM_012062.5 (MANE Select); 3 bases into the intron after coding-DNA position 1707, G replaced by A.
Molecular consequence: intron variant.
Genome position (GRCh38, 1-based): chr12:32,738,299, G>A. VCF-style: chr12-32738299-G-A. GRCh37 (hg19) VCF-style: chr12-32891233-G-A.
Other names: c.1746+3G>A (NM_001278464.2); c.1713+357G>A (NM_001278465.2); c.1635+1138G>A (NM_001330380.2); c.1098+3G>A (NM_001278466.2); c.1674+357G>A (NM_001278463.2); c.1629+3G>A (NM_012063.4); c.1596+1138G>A (NM_005690.5).
Identifiers: ClinVar variation 2033941 (VCV002033941.4), dbSNP rs1375926058, ClinGen allele CA604229154.

ClinVar aggregate classification (germline): Uncertain significance (1 of 4 stars; one submission).

Allele frequency attached by ClinVar (database versions not stated): gnomAD exomes below 0.00001.
gnomAD v4.1: 1 of 1,613,540 alleles (0.000062%); highest among the groups gnomAD compares: South Asian, 0.0011%; no homozygotes.

Submission:

Labcorp Genetics (formerly Invitae), Labcorp
Classification: Uncertain significance. Last evaluated: 2022-10-03. Review status: criteria provided, single submitter. Criteria: Invitae Variant Classification Sherloc (09022015). Collection method: clinical testing. Allele origin: germline.
Comment: In summary, the available evidence is currently insufficient to determine the role of this variant in disease. Therefore, it has been classified as a Variant of Uncertain Significance. Variants that disrupt the consensus splice site are a relatively common cause of aberrant splicing (PMID: 17576681, 9536098). Algorithms developed to predict the effect of sequence changes on RNA splicing suggest that this variant is not likely to affect RNA splicing. This variant has not been reported in the literature in individuals affected with DNM1L-related conditions. This variant is present in population databases (no rsID available, gnomAD 0.003%). This sequence change falls in intron 16 of the DNM1L gene. It does not directly change the encoded amino acid sequence of the DNM1L protein. It affects a nucleotide within the consensus splice site.

Literature cited by the submitters: PubMed 17576681; PubMed 9536098.